The following is an entry in ClinVar:

ClinVar aggregate classification (germline): Uncertain significance (1 of 4 stars; one submission).

gnomAD v4.1: 1 of 1,614,134 alleles (0.000062%); highest among the groups gnomAD compares: Non-Finnish European, 0.000085%; no homozygotes.

Submission:

Labcorp Genetics (formerly Invitae), Labcorp
Classification: Uncertain significance. Last evaluated: 2024-10-21. Review status: criteria provided, single submitter. Criteria: Invitae Variant Classification Sherloc (09022015). Collection method: clinical testing. Allele origin: germline.
Comment: This sequence change replaces glutamine, which is neutral and polar, with proline, which is neutral and non-polar, at codon 315 of the KIAA0753 protein (p.Gln315Pro). This variant is present in population databases (no rsID available, gnomAD 0.0009%). This variant has not been reported in the literature in individuals affected with KIAA0753-related conditions. An algorithm developed to predict the effect of missense changes on protein structure and function (PolyPhen-2) suggests that this variant is likely to be tolerated. In summary, the available evidence is currently insufficient to determine the role of this variant in disease. Therefore, it has been classified as a Variant of Uncertain Significance.

NM_014804.3(KIAA0753):c.944A>C (p.Gln315Pro)

Gene: KIAA0753 (KIAA0753; minus strand). Cytogenetic location: 17p13.1.
Variant type: single nucleotide variant.
Coding change: c.944A>C on transcript NM_014804.3 (MANE Select); coding-DNA position 944, A replaced by C.
Protein change: p.Gln315Pro; replaces glutamine 315 with proline.
Molecular consequence: missense variant. On other transcripts: non-coding transcript variant (3).
Genome position (GRCh38, 1-based): chr17:6,623,042, T>G on the plus strand (A>C on the coding strand, the complement: KIAA0753 is on the minus strand). VCF-style: chr17-6623042-T-G. GRCh37 (hg19) VCF-style: chr17-6526362-T-G.
Other names: c.47A>C, p.Gln16Pro (NM_001351225.2); short protein forms Q315P, Q16P.
Identifiers: ClinVar variation 2880990 (VCV002880990.3), dbSNP rs369857425, ClinGen allele CA397413014.